The following is an entry in ClinVar:

ClinVar aggregate classification (germline): Uncertain significance (1 of 4 stars; one submission).

Conditions:
Cardiovascular phenotype. Identifiers: MedGen CN230736.

gnomAD v4.1: 1 of 1,613,694 alleles (0.000062%); highest among the groups gnomAD compares: Non-Finnish European, 0.000085%; no homozygotes.

Submission:

Ambry Genetics
Classification: Uncertain significance for Cardiovascular phenotype. Last evaluated: 2025-10-14. Review status: criteria provided, single submitter. Criteria: Ambry Variant Classification Scheme 2023. Collection method: clinical testing. Allele origin: germline.
Comment: The p.E179K variant (also known as c.535G>A), located in coding exon 5 of the PRDM5 gene, results from a G to A substitution at nucleotide position 535. The glutamic acid at codon 179 is replaced by lysine, an amino acid with similar properties. This amino acid position is conserved. In addition, this alteration is predicted to be tolerated by in silico analysis. Based on the available evidence, the clinical significance of this variant remains unclear.

NM_018699.4(PRDM5):c.535G>A (p.Glu179Lys)

Gene: PRDM5 (PR/SET domain 5; minus strand). Cytogenetic location: 4q27.
Variant type: single nucleotide variant.
Coding change: c.535G>A on transcript NM_018699.4 (MANE Select); coding-DNA position 535, G replaced by A.
Protein change: p.Glu179Lys; replaces glutamic acid 179 with lysine.
Molecular consequence: missense variant.
Genome position (GRCh38, 1-based): chr4:120,818,468, C>T on the plus strand (G>A on the coding strand, the complement: PRDM5 is on the minus strand). VCF-style: chr4-120818468-C-T. GRCh37 (hg19) VCF-style: chr4-121739623-C-T.
Other names: c.535G>A, p.Glu179Lys (NM_001300823.2, NM_001300824.2, NM_001379104.1 and 1 more transcripts); short protein forms E179K.
Identifiers: ClinVar variation 4614746 (VCV004614746.1).